The following is an entry in ClinVar:

ClinVar aggregate classification (germline): Pathogenic (1 of 4 stars; one submission).

Conditions:
Intellectual developmental disorder, autosomal dominant 45. Also called: MENTAL RETARDATION, AUTOSOMAL DOMINANT 45; Intellectual disability, autosomal dominant 45. Identifiers: MedGen C4539848, MONDO:0030910, OMIM 617600.

Submission:

Clinical Genetics Laboratory, University Hospital Schleswig-Holstein
Classification: Pathogenic for Intellectual developmental disorder, autosomal dominant 45. Last evaluated: 2025-11-13. Review status: criteria provided, single submitter. Criteria: ACMG Guidelines, 2015. Collection method: clinical testing. Allele origin: germline. Affected: yes. Observed: 1 heterozygote.
Comment: ACMG criteria applied: PM2, PVS1

NM_001386298.1(CIC):c.2062dup (p.Arg688fs)

Gene: CIC (capicua transcriptional repressor; plus strand). Cytogenetic location: 19q13.2.
Variant type: Duplication.
Coding change: c.2062dup on transcript NM_001386298.1 (MANE Select); coding-DNA position 2062, one base duplicated (C; older notation c.2062dupC).
Protein change: p.Arg688fs; shifts the reading frame from arginine 688.
Molecular consequence: frameshift variant.
Genome position (GRCh38, 1-based): chr19:42,273,845, C duplicated; the last of 6 consecutive C bases (chr19:42,273,840-42,273,845); duplicating any one gives the same sequence. VCF-style (leftmost placement, unchanged base first): chr19-42273839-G-GC. GRCh37 (hg19) VCF-style: chr19-42777991-G-GC.
Other names: c.2062dup, p.Arg688fs (NM_001304815.2, NM_001379480.1, NM_001379482.1 and 6 more transcripts); short protein forms R688fs.
Identifiers: ClinVar variation 4891278 (VCV004891278.1).